The following is an entry in ClinVar:

NM_203447.4(DOCK8):c.2265C>T (p.Phe755=)

Gene: DOCK8 (dedicator of cytokinesis 8; plus strand). Cytogenetic location: 9p24.3.
Variant type: single nucleotide variant.
Coding change: c.2265C>T on transcript NM_203447.4 (MANE Select); coding-DNA position 2265, C replaced by T.
Protein change: p.Phe755=; no amino-acid change (phenylalanine 755 retained).
Molecular consequence: synonymous variant.
Genome position (GRCh38, 1-based): chr9:377,036, C>T. VCF-style: chr9-377036-C-T. GRCh37 (hg19) VCF-style: chr9-377036-C-T.
Other names: c.2061C>T, p.Phe687= (NM_001190458.2, NM_001193536.2).
Identifiers: ClinVar variation 1921164 (VCV001921164.18), dbSNP rs565241553, ClinGen allele CA187814529.

ClinVar aggregate classification (germline): Conflicting classifications of pathogenicity. Review status: criteria provided, conflicting classifications (1 of 4 stars). 2 submissions from 2 submitters: Uncertain significance (1); Likely benign (1). Last evaluated 2026-01-17.

Conditions:
Combined immunodeficiency due to DOCK8 deficiency (HIES2). Also called: HIES autosomal recessive; HYPER-IgE SYNDROME 2, AUTOSOMAL RECESSIVE, WITH RECURRENT INFECTIONS; DOCK8 Deficiency; Hyper-IgE recurrent infection syndrome, autosomal recessive; HYPER-IgE RECURRENT INFECTION SYNDROME 2, AUTOSOMAL RECESSIVE. Identifiers: Orphanet 217390, MedGen C4722305, MONDO:0009478, OMIM 243700.

Allele frequency attached by ClinVar (database versions not stated): gnomAD exomes 0.00001; TOPMed below 0.00001; gnomAD 0.00001; 1000 Genomes Project 30x 0.00016; 1000 Genomes Project 0.00020.
gnomAD v4.1: 4 of 1,614,006 alleles (0.00025%); highest among the groups gnomAD compares: South Asian, 0.0011%; no homozygotes.

Submissions (2):

Labcorp Genetics (formerly Invitae), Labcorp
Classification: Likely benign for Combined immunodeficiency due to DOCK8 deficiency. Last evaluated: 2026-01-17. Review status: criteria provided, single submitter. Criteria: Invitae Variant Classification Sherloc (09022015). Collection method: clinical testing. Allele origin: germline.

CeGaT Center for Human Genetics Tuebingen
Classification: Uncertain significance. Last evaluated: 2024-12-01. Review status: criteria provided, single submitter. Criteria: CeGaT Center For Human Genetics Tuebingen Variant Classification Criteria Version 2. Collection method: clinical testing. Allele origin: germline. Affected: yes. Observed: 1 variant allele.
Comment: DOCK8: PM2:Supporting, BP4